The following is an entry in ClinVar:

NM_025103.4(IFT74):c.1135_1136del (p.Lys379fs)

Gene: IFT74 (intraflagellar transport 74; plus strand). Cytogenetic location: 9p21.2.
Variant type: Deletion.
Coding change: c.1135_1136del on transcript NM_025103.4 (MANE Select); coding-DNA positions 1135 to 1136, 2 bases deleted (AA; older notation c.1135_1136delAA).
Protein change: p.Lys379fs; shifts the reading frame from lysine 379.
Molecular consequence: frameshift variant.
Genome position (GRCh38, 1-based): chr9:27,047,300-27,047,301, AA deleted; deleting any 2 consecutive bases within chr9:27,047,299-27,047,301 gives the same sequence; the c. name uses the placement nearest the transcript's 3' end. VCF-style (leftmost placement, unchanged base first): chr9-27047298-CAA-C. GRCh37 (hg19) VCF-style: chr9-27047296-CAA-C.
Other names: c.1135_1136del, p.Lys379fs (NM_001099222.3, NM_001099223.3, NM_001349928.2); short protein forms K379fs.
Identifiers: ClinVar variation 2101884 (VCV002101884.4), dbSNP rs2131684281, ClinGen allele CA2580080317.

ClinVar aggregate classification (germline): Pathogenic (1 of 4 stars; one submission).

Submission:

Labcorp Genetics (formerly Invitae), Labcorp
Classification: Pathogenic. Last evaluated: 2024-11-11. Review status: criteria provided, single submitter. Criteria: Invitae Variant Classification Sherloc (09022015). Collection method: clinical testing. Allele origin: germline.
Comment: This sequence change creates a premature translational stop signal (p.Lys379Glufs*45) in the IFT74 gene. It is expected to result in an absent or disrupted protein product. Loss-of-function variants in IFT74 are known to be pathogenic (PMID: 33531668). This variant is not present in population databases (gnomAD no frequency). This variant has not been reported in the literature in individuals affected with IFT74-related conditions. ClinVar contains an entry for this variant (Variation ID: 2101884). For these reasons, this variant has been classified as Pathogenic.

Literature cited by the submitters: PubMed 33531668.